The following is an entry in ClinVar:

ClinVar aggregate classification (germline): Uncertain significance. Review status: criteria provided, multiple submitters, no conflicts (2 of 4 stars). 3 submissions from 3 submitters: Uncertain significance (3). Last evaluated 2025-11-18.

Conditions:
Congenital myotonia, autosomal dominant form (THD). Also called: THOMSEN DISEASE; Myotonia congenita autosomal dominant. Identifiers: Orphanet 614, MedGen C2936781, MONDO:0008055, OMIM 160800.
Congenital myotonia, autosomal recessive form. Also called: BECKER DISEASE; Becker Generalized Myotonia; myotonia congenita, autosomal recessive. Identifiers: Orphanet 614, MedGen C0751360, MONDO:0009715, OMIM 255700.
Batten-Turner congenital myopathy. Also called: Myotonia congenita; Congenital myotonia. Identifiers: Orphanet 206973, MedGen C0027127, MONDO:0100468, OMIM 255300.

Allele frequency attached by ClinVar (database versions not stated): ExAC 0.00001; TOPMed 0.00003.
gnomAD v4.1: 36 of 1,613,982 alleles (0.0022%); highest among the groups gnomAD compares: Non-Finnish European, 0.0029%; no homozygotes.

Submissions (3):

Labcorp Genetics (formerly Invitae), Labcorp
Classification: Uncertain significance for Congenital myotonia, autosomal recessive form; Congenital myotonia, autosomal dominant form. Last evaluated: 2025-11-18. Review status: criteria provided, single submitter. Criteria: Invitae Variant Classification Sherloc (09022015). Collection method: clinical testing. Allele origin: germline.
Comment: This sequence change replaces proline, which is neutral and non-polar, with alanine, which is neutral and non-polar, at codon 939 of the CLCN1 protein (p.Pro939Ala). This variant is present in population databases (rs574104250, gnomAD 0.002%). This variant has not been reported in the literature in individuals affected with CLCN1-related conditions. ClinVar contains an entry for this variant (Variation ID: 582671). Invitae Evidence Modeling of protein sequence and biophysical properties (such as structural, functional, and spatial information, amino acid conservation, physicochemical variation, residue mobility, and thermodynamic stability) indicates that this missense variant is not expected to disrupt CLCN1 protein function with a negative predictive value of 95%. In summary, the available evidence is currently insufficient to determine the role of this variant in disease. Therefore, it has been classified as a Variant of Uncertain Significance.

Revvity Omics, Revvity
Classification: Uncertain significance. Last evaluated: 2021-04-14. Review status: criteria provided, single submitter. Criteria: ACMG Guidelines, 2015. Collection method: clinical testing. Allele origin: germline.

Illumina Laboratory Services, Illumina
Classification: Uncertain significance for Myotonia congenita. Last evaluated: 2018-01-13. Review status: criteria provided, single submitter. Criteria: ICSL Variant Classification Criteria 13 December 2019. Collection method: clinical testing. Allele origin: germline.

NM_000083.3(CLCN1):c.2815C>G (p.Pro939Ala)

Gene: CLCN1 (chloride voltage-gated channel 1; plus strand). Cytogenetic location: 7q34.
Variant type: single nucleotide variant.
Coding change: c.2815C>G on transcript NM_000083.3 (MANE Select); coding-DNA position 2815, C replaced by G.
Protein change: p.Pro939Ala; replaces proline 939 with alanine.
Molecular consequence: missense variant. On other transcripts: non-coding transcript variant (1).
Genome position (GRCh38, 1-based): chr7:143,351,813, C>G. VCF-style: chr7-143351813-C-G. GRCh37 (hg19) VCF-style: chr7-143048906-C-G.
Other names: short protein forms P939A.
Identifiers: ClinVar variation 582671 (VCV000582671.13), dbSNP rs574104250, ClinGen allele CA4537791.
Genomic context (GRCh38, chr7:143,351,813, plus strand): 5'-ACAGGGGATGTGATTGCTGCCTCCCCAGAGACCCCTGTGCCATCTCCTTCCCCAGAGCCC[C>G]CTCTCTCCCTGGCCCCAGGCAAGGTAGAGGGCGAGTTGGAGGAGCTGGAGCTGGTGGAGA-3'
Protein context (NP_000074.3, residues 929-949): TPVPSPSPEP[Pro939Ala]LSLAPGKVEG